The following is an entry in ClinVar:

NM_000026.4(ADSL):c.216C>G (p.Ile72Met)

Gene: ADSL (adenylosuccinate lyase; plus strand). Cytogenetic location: 22q13.1.
Variant type: single nucleotide variant.
Coding change: c.216C>G on transcript NM_000026.4 (MANE Select); coding-DNA position 216, C replaced by G.
Protein change: p.Ile72Met; replaces isoleucine 72 with methionine.
Molecular consequence: missense variant. On other transcripts: non-coding transcript variant (1).
Genome position (GRCh38, 1-based): chr22:40,349,894, C>G. VCF-style: chr22-40349894-C-G. GRCh37 (hg19) VCF-style: chr22-40745898-C-G.
Other names: c.216C>G, p.Ile72Met (NM_001123378.3, NM_001363840.3); c.24C>G, p.Ile8Met (NM_001317923.2); short protein forms I8M, I72M.
Identifiers: ClinVar variation 1369800 (VCV001369800.3), dbSNP rs145786986, ClinGen allele CA10247647.

ClinVar aggregate classification (germline): Uncertain significance (1 of 4 stars; one submission).

Conditions:
Adenylosuccinate lyase deficiency (ADSLD). Also called: ADSL DEFICIENCY. Identifiers: Orphanet 46, MedGen C0268126, MONDO:0007068, OMIM 103050.

gnomAD v4.1: 1 of 1,614,016 alleles (0.000062%); highest among the groups gnomAD compares: African/African-American, 0.0013%; no homozygotes.

Submission:

Labcorp Genetics (formerly Invitae), Labcorp
Classification: Uncertain significance for Adenylosuccinate lyase deficiency. Last evaluated: 2021-12-13. Review status: criteria provided, single submitter. Criteria: Invitae Variant Classification Sherloc (09022015). Collection method: clinical testing. Allele origin: germline.
Comment: This sequence change replaces isoleucine, which is neutral and non-polar, with methionine, which is neutral and non-polar, at codon 72 of the ADSL protein (p.Ile72Met). This variant is present in population databases (rs145786986, gnomAD 0.008%). This variant has not been reported in the literature in individuals affected with ADSL-related conditions. Algorithms developed to predict the effect of missense changes on protein structure and function are either unavailable or do not agree on the potential impact of this missense change (SIFT: "Deleterious"; PolyPhen-2: "Probably Damaging"; Align-GVGD: "Class C0"). In summary, the available evidence is currently insufficient to determine the role of this variant in disease. Therefore, it has been classified as a Variant of Uncertain Significance.